The following is an entry in ClinVar:

ClinVar aggregate classification (germline): Uncertain significance (1 of 4 stars; one submission).

Allele frequency attached by ClinVar (database versions not stated): gnomAD exomes below 0.00001; TOPMed below 0.00001.
gnomAD v4.1: 2 of 1,613,890 alleles (0.00012%); highest among the groups gnomAD compares: Admixed American, 0.0017%; no homozygotes.

Submission:

Labcorp Genetics (formerly Invitae), Labcorp
Classification: Uncertain significance. Last evaluated: 2023-11-07. Review status: criteria provided, single submitter. Criteria: Invitae Variant Classification Sherloc (09022015). Collection method: clinical testing. Allele origin: germline.
Comment: This sequence change replaces leucine, which is neutral and non-polar, with phenylalanine, which is neutral and non-polar, at codon 1873 of the FN1 protein (p.Leu1873Phe). This variant is present in population databases (no rsID available, gnomAD 0.003%). This variant has not been reported in the literature in individuals affected with FN1-related conditions. An algorithm developed to predict the effect of missense changes on protein structure and function (PolyPhen-2) suggests that this variant is likely to be disruptive. In summary, the available evidence is currently insufficient to determine the role of this variant in disease. Therefore, it has been classified as a Variant of Uncertain Significance.

NM_212482.4(FN1):c.5617C>T (p.Leu1873Phe)

Gene: FN1 (fibronectin 1; minus strand). Cytogenetic location: 2q35.
Variant type: single nucleotide variant.
Coding change: c.5617C>T on transcript NM_212482.4 (MANE Select); coding-DNA position 5617, C replaced by T.
Protein change: p.Leu1873Phe; replaces leucine 1873 with phenylalanine.
Molecular consequence: missense variant.
Genome position (GRCh38, 1-based): chr2:215,379,135, G>A on the plus strand (C>T on the coding strand, the complement: FN1 is on the minus strand). VCF-style: chr2-215379135-G-A. GRCh37 (hg19) VCF-style: chr2-216243858-G-A.
Other names: c.5617C>T, p.Leu1873Phe (NM_001306129.2); c.5347C>T, p.Leu1783Phe (NM_001306130.2, NM_001365517.2, NM_001365519.2 and 2 more transcripts); c.5074C>T, p.Leu1692Phe (NM_001306131.2, NM_001306132.2, NM_001365523.2 and 2 more transcripts); c.5344C>T, p.Leu1782Phe (NM_001365518.2, NM_001365520.2, NM_001365524.2 and 2 more transcripts); short protein forms L1782F, L1783F, L1873F, L1692F.
Identifiers: ClinVar variation 2974938 (VCV002974938.3), dbSNP rs1433138195, ClinGen allele CA350472456.